The following is an entry in ClinVar:

ClinVar aggregate classification (germline): Uncertain significance (1 of 4 stars; one submission).

gnomAD v4.1: 7 of 1,613,516 alleles (0.00043%); highest among the groups gnomAD compares: African/African-American, 0.0094%; no homozygotes.

Submission:

Labcorp Genetics (formerly Invitae), Labcorp
Classification: Uncertain significance. Last evaluated: 2024-10-09. Review status: criteria provided, single submitter. Criteria: Invitae Variant Classification Sherloc (09022015). Collection method: clinical testing. Allele origin: germline.
Comment: This sequence change affects codon 936 of the SETD5 mRNA. It is a 'silent' change, meaning that it does not change the encoded amino acid sequence of the SETD5 protein. This variant is present in population databases (rs372223844, gnomAD 0.007%). This variant has not been reported in the literature in individuals affected with SETD5-related conditions. Algorithms developed to predict the effect of sequence changes on RNA splicing suggest that this variant may disrupt the consensus splice site. In summary, the available evidence is currently insufficient to determine the role of this variant in disease. Therefore, it has been classified as a Variant of Uncertain Significance.

NM_001080517.3(SETD5):c.2808A>T (p.Leu936=)

Gene: SETD5 (SET domain containing 5; plus strand). Cytogenetic location: 3p25.3.
Variant type: single nucleotide variant.
Coding change: c.2808A>T on transcript NM_001080517.3 (MANE Select); coding-DNA position 2808, A replaced by T.
Protein change: p.Leu936=; no amino-acid change (leucine 936 retained).
Molecular consequence: synonymous variant.
Genome position (GRCh38, 1-based): chr3:9,470,542, A>T. VCF-style: chr3-9470542-A-T. GRCh37 (hg19) VCF-style: chr3-9512226-A-T.
Other names: c.2514A>T, p.Leu838= (NM_001292043.2, NM_001349451.2).
Identifiers: ClinVar variation 3618326 (VCV003618326.2).